The following is an entry in ClinVar:

ClinVar aggregate classification (germline): Uncertain significance (1 of 4 stars; one submission).

Conditions:
Cardiovascular phenotype. Identifiers: MedGen CN230736.

Submission:

Ambry Genetics
Classification: Uncertain significance for Cardiovascular phenotype. Last evaluated: 2025-05-31. Review status: criteria provided, single submitter. Criteria: Ambry Variant Classification Scheme 2023. Collection method: clinical testing. Allele origin: germline.
Comment: The p.S350C variant (also known as c.1049C>G), located in coding exon 9 of the PTPN11 gene, results from a C to G substitution at nucleotide position 1049. The serine at codon 350 is replaced by cysteine, an amino acid with dissimilar properties. This amino acid position is conserved. In addition, this alteration is predicted to be deleterious by in silico analysis. Based on the available evidence, the clinical significance of this variant remains unclear.

NM_002834.5(PTPN11):c.1049C>G (p.Ser350Cys)

Gene: PTPN11 (protein tyrosine phosphatase non-receptor type 11; plus strand). Cytogenetic location: 12q24.13.
Variant type: single nucleotide variant.
Coding change: c.1049C>G on transcript NM_002834.5 (MANE Select); coding-DNA position 1049, C replaced by G.
Protein change: p.Ser350Cys; replaces serine 350 with cysteine.
Molecular consequence: missense variant.
Genome position (GRCh38, 1-based): chr12:112,477,972, C>G. VCF-style: chr12-112477972-C-G. GRCh37 (hg19) VCF-style: chr12-112915776-C-G.
Other names: c.1049C>G, p.Ser350Cys (NM_001330437.2, NM_080601.3); c.1046C>G, p.Ser349Cys (NM_001374625.1); short protein forms S349C, S350C.
Identifiers: ClinVar variation 3940430 (VCV003940430.1).